The following is an entry in ClinVar:

NM_000095.3(COMP):c.1467C>G (p.Asn489Lys)

Gene: COMP (cartilage oligomeric matrix protein; minus strand). Cytogenetic location: 19p13.11.
Variant type: single nucleotide variant.
Coding change: c.1467C>G on transcript NM_000095.3 (MANE Select); coding-DNA position 1467, C replaced by G.
Protein change: p.Asn489Lys; replaces asparagine 489 with lysine.
Molecular consequence: missense variant.
Genome position (GRCh38, 1-based): chr19:18,785,987, G>C on the plus strand (C>G on the coding strand, the complement: COMP is on the minus strand). VCF-style: chr19-18785987-G-C. GRCh37 (hg19) VCF-style: chr19-18896797-G-C.
Other names: short protein forms N489K.
Identifiers: ClinVar variation 3723495 (VCV003723495.2).
Genomic context (GRCh38, chr19:18,785,987, plus strand): 5'-TGGCCCCGCCCCCACCGCAGGCCCCGCCCCCGCCGTACTGTCCGCGTCCTCCTGGCCGGG[G>C]TTAGGCACCAGGCGGCAGTTGTCCCGACTGTCAGGGACTCCGTCATTGTCGTCGTCGTCG-3'
Protein context (NP_000086.2, residues 479-499): DSRDNCRLVP[Asn489Lys]PGQEDADRDG

ClinVar aggregate classification (germline): Pathogenic (1 of 4 stars; one submission).

Submission:

Labcorp Genetics (formerly Invitae), Labcorp
Classification: Pathogenic. Last evaluated: 2025-01-21. Review status: criteria provided, single submitter. Criteria: Invitae Variant Classification Sherloc (09022015). Collection method: clinical testing. Allele origin: germline.
Comment: This sequence change replaces asparagine, which is neutral and polar, with lysine, which is basic and polar, at codon 489 of the COMP protein (p.Asn489Lys). This variant is not present in population databases (gnomAD no frequency). A different variant (c.1467C>A) giving rise to the same protein effect has been determined to be pathogenic (PMID: 24595329, 26920793; internal data). This suggests that this variant is also likely to be causative of disease. Invitae Evidence Modeling of protein sequence and biophysical properties (such as structural, functional, and spatial information, amino acid conservation, physicochemical variation, residue mobility, and thermodynamic stability) indicates that this missense variant is expected to disrupt COMP protein function with a positive predictive value of 80%. For these reasons, this variant has been classified as Pathogenic.

Literature cited by the submitters: PubMed 24595329; PubMed 26920793.